The following is an entry in ClinVar:

ClinVar aggregate classification (germline): Benign/Likely benign. Review status: criteria provided, multiple submitters, no conflicts (2 of 4 stars). 5 submissions from 5 submitters: Benign (1); Likely benign (4). Last evaluated 2026-07-01.

Conditions:
Peroxisome biogenesis disorder 12A (Zellweger). Also called: Peroxisome biogenesis disorder 12A. Identifiers: Orphanet 912, MedGen C3554002, MONDO:0013951, OMIM 614886.

Allele frequency attached by ClinVar (database versions not stated): TOPMed 0.00101; ESP Exome Variant Server 0.00123; 1000 Genomes Project 0.00180; 1000 Genomes Project 30x 0.00187.

Submissions (5):

CeGaT Center for Human Genetics Tuebingen
Classification: Likely benign. Last evaluated: 2026-07-01. Review status: criteria provided, single submitter. Criteria: CeGaT Center For Human Genetics Tuebingen Variant Classification Criteria Version 2. Collection method: clinical testing. Allele origin: germline. Affected: yes. Observed: 1 variant allele.
Comment: PEX19: BP4, BP7

Labcorp Genetics (formerly Invitae), Labcorp
Classification: Benign for Peroxisome biogenesis disorder 12A (Zellweger). Last evaluated: 2026-01-24. Review status: criteria provided, single submitter. Criteria: Invitae Variant Classification Sherloc (09022015). Collection method: clinical testing. Allele origin: germline.

Women's Health and Genetics/Laboratory Corporation of America, LabCorp
Classification: Likely benign. Last evaluated: 2025-12-02. Review status: criteria provided, single submitter. Criteria: LabCorp Variant Classification Summary - May 2015. Collection method: clinical testing. Allele origin: germline.

Blueprint Genetics
Classification: Likely benign. Last evaluated: 2023-06-05. Review status: criteria provided, single submitter. Criteria: ACMG Guidelines, 2015. Collection method: clinical testing. Allele origin: germline.

Eurofins Ntd Llc (ga)
Classification: Likely benign. Last evaluated: 2018-08-06. Review status: criteria provided, single submitter. Criteria: EGL ClinVar v180209 classification definitions. Collection method: clinical testing. Allele origin: germline. Observed: 7 variant alleles, 7 heterozygotes.

NM_002857.4(PEX19):c.30C>T (p.Val10=)

Gene: PEX19 (peroxisomal biogenesis factor 19; minus strand). Cytogenetic location: 1q23.2.
Variant type: single nucleotide variant.
Coding change: c.30C>T on transcript NM_002857.4 (MANE Select); coding-DNA position 30, C replaced by T.
Protein change: p.Val10=; no amino-acid change (valine 10 retained).
Molecular consequence: synonymous variant. On other transcripts: non-coding transcript variant (2).
Genome position (GRCh38, 1-based): chr1:160,285,095, G>A on the plus strand (C>T on the coding strand, the complement: PEX19 is on the minus strand). VCF-style: chr1-160285095-G-A. GRCh37 (hg19) VCF-style: chr1-160254885-G-A.
Other names: c.30C>T, p.Val10= (NM_001193644.1).
Identifiers: ClinVar variation 499397 (VCV000499397.18), dbSNP rs144440223, ClinGen allele CA1197512.